The following is an entry in ClinVar:

NM_001375567.1(FOCAD):c.5001C>T (p.Asp1667=)

Gene: FOCAD (focadhesin; plus strand). Cytogenetic location: 9p21.3.
Variant type: single nucleotide variant.
Coding change: c.5001C>T on transcript NM_001375567.1 (MANE Select); coding-DNA position 5001, C replaced by T.
Protein change: p.Asp1667=; no amino-acid change (aspartic acid 1667 retained).
Molecular consequence: synonymous variant.
Genome position (GRCh38, 1-based): chr9:20,988,426, C>T. VCF-style: chr9-20988426-C-T. GRCh37 (hg19) VCF-style: chr9-20988425-C-T.
Other names: c.4896C>T, p.Asp1632= (NM_001375568.1, NM_001375570.1); c.5001C>T, p.Asp1667= (NM_017794.5).
Identifiers: ClinVar variation 3030470 (VCV003030470.2), dbSNP rs757643408, ClinGen allele CA5008143.

ClinVar aggregate classification (germline): Likely benign (0 of 4 stars; one submission).

Conditions:
FOCAD-related disorder. Also called: FOCAD-related condition.

Allele frequency attached by ClinVar (database versions not stated): TOPMed 0.00003; gnomAD 0.00007; gnomAD exomes 0.00010; ExAC 0.00026.
gnomAD v4.1: 169 of 1,575,878 alleles (0.011%); highest among the groups gnomAD compares: South Asian, 0.16%; 2 homozygotes.

Submission:

PreventionGenetics, part of Exact Sciences
Classification: Likely benign for FOCAD-related condition. Last evaluated: 2022-09-29. Review status: no assertion criteria provided. Collection method: clinical testing. Allele origin: germline.
Comment: This variant is classified as likely benign based on ACMG/AMP sequence variant interpretation guidelines (Richards et al. 2015 PMID: 25741868, with internal and published modifications).